The following is an entry in ClinVar:

ClinVar aggregate classification (germline): Uncertain significance. Review status: criteria provided, multiple submitters, no conflicts (2 of 4 stars). 2 submissions from 2 submitters: Uncertain significance (2). Last evaluated 2024-03-24.

Conditions:
Microcephaly, normal intelligence and immunodeficiency (NBS). Also called: IMMUNODEFICIENCY, MICROCEPHALY, AND CHROMOSOMAL INSTABILITY; Immunodeficiency, microcephaly with normal intelligence; SEEMANOVA SYNDROME II; Ataxia telangiectasia variant V1; Microcephaly with normal intelligence immunodeficiency and lymphoreticular malignancies; Nonsyndromal microcephaly autosomal recessive with normal intelligence. Identifiers: Orphanet 647, MedGen C0398791, MONDO:0009623, OMIM 251260.
Hereditary cancer-predisposing syndrome. Also called: Neoplastic Syndromes, Hereditary; Hereditary Cancer Syndrome; Hereditary neoplastic syndrome; Tumor predisposition. Identifiers: Orphanet 140162, MedGen C0027672, MeSH D009386, MONDO:0015356.

Allele frequency attached by ClinVar (database versions not stated): gnomAD exomes below 0.00001; ExAC 0.00001.
gnomAD v4.1: 1 of 1,613,978 alleles (0.000062%); highest among the groups gnomAD compares: Non-Finnish European, 0.000085%; no homozygotes.

Submissions (2):

Ambry Genetics
Classification: Uncertain significance for Hereditary cancer-predisposing syndrome. Last evaluated: 2024-03-24. Review status: criteria provided, single submitter. Criteria: Ambry Variant Classification Scheme 2023. Collection method: clinical testing. Allele origin: germline.
Comment: The p.D284G variant (also known as c.851A>G), located in coding exon 7 of the NBN gene, results from an A to G substitution at nucleotide position 851. The aspartic acid at codon 284 is replaced by glycine, an amino acid with similar properties. This amino acid position is well conserved in available vertebrate species. In addition, this alteration is predicted to be tolerated by in silico analysis. Since supporting evidence is limited at this time, the clinical significance of this alteration remains unclear.

Labcorp Genetics (formerly Invitae), Labcorp
Classification: Uncertain significance for Microcephaly, normal intelligence and immunodeficiency. Last evaluated: 2020-04-10. Review status: criteria provided, single submitter. Criteria: Invitae Variant Classification Sherloc (09022015). Collection method: clinical testing. Allele origin: germline.
Comment: Algorithms developed to predict the effect of missense changes on protein structure and function (SIFT, PolyPhen-2, Align-GVGD) all suggest that this variant is likely to be tolerated, but these predictions have not been confirmed by published functional studies and their clinical significance is uncertain. In summary, the available evidence is currently insufficient to determine the role of this variant in disease. Therefore, it has been classified as a Variant of Uncertain Significance. This variant has not been reported in the literature in individuals with NBN-related disease. This variant is present in population databases (rs772176894, ExAC 0.001%). This sequence change replaces aspartic acid with glycine at codon 284 of the NBN protein (p.Asp284Gly). The aspartic acid residue is weakly conserved and there is a moderate physicochemical difference between aspartic acid and glycine.

NM_002485.5(NBN):c.851A>G (p.Asp284Gly)

Gene: NBN (nibrin; minus strand). Cytogenetic location: 8q21.3.
Variant type: single nucleotide variant.
Coding change: c.851A>G on transcript NM_002485.5 (MANE Select); coding-DNA position 851, A replaced by G.
Protein change: p.Asp284Gly; replaces aspartic acid 284 with glycine.
Molecular consequence: missense variant.
Genome position (GRCh38, 1-based): chr8:89,970,409, T>C on the plus strand (A>G on the coding strand, the complement: NBN is on the minus strand). VCF-style: chr8-89970409-T-C. GRCh37 (hg19) VCF-style: chr8-90982637-T-C.
Other names: c.605A>G, p.Asp202Gly (NM_001024688.3); short protein forms D284G, D202G.
Identifiers: ClinVar variation 639981 (VCV000639981.14), dbSNP rs772176894, ClinGen allele CA4802880.